The following is an entry in ClinVar:

NM_004387.4(NKX2-5):c.2T>A (p.Met1Lys)

Gene: NKX2-5 (NK2 homeobox 5; minus strand). Cytogenetic location: 5q35.1.
Variant type: single nucleotide variant.
Coding change: c.2T>A on transcript NM_004387.4 (MANE Select); coding-DNA position 2, T replaced by A.
Protein change: p.Met1Lys; changes the start codon (methionine 1).
Molecular consequence: missense variant, initiator codon variant.
Genome position (GRCh38, 1-based): chr5:173,235,082, A>T on the plus strand (T>A on the coding strand, the complement: NKX2-5 is on the minus strand). VCF-style: chr5-173235082-A-T. GRCh37 (hg19) VCF-style: chr5-172662085-A-T.
Other names: c.2T>A, p.Met1Lys (NM_001166175.2, NM_001166176.2); short protein forms M1K.
Identifiers: ClinVar variation 3224200 (VCV003224200.1), dbSNP rs1761447434, ClinGen allele CA362163892.

ClinVar aggregate classification (germline): Uncertain significance (1 of 4 stars; one submission).

Conditions:
Cardiovascular phenotype. Identifiers: MedGen CN230736.

Submission:

Ambry Genetics
Classification: Uncertain significance for Cardiovascular phenotype. Last evaluated: 2023-09-29. Review status: criteria provided, single submitter. Criteria: Ambry Variant Classification Scheme 2023. Collection method: clinical testing. Allele origin: germline.
Comment: The p.M1? variant (also known as c.2T>A) is located in coding exon 1 of the NKX2-5 gene and results from a T to A substitution at nucleotide position 2. This alters the methionine residue at the initiation codon (ATG). This amino acid position is highly conserved in available vertebrate species. Variations that modify the initiation codon (ATG) are expected to result in either loss of translation initiation, N-terminal truncation, or cause a shift in the mRNA reading frame; however, there is an in-frame methionine 46 amino acids from the initiation site, which may result in N-terminal truncation of unknown functional significance. Since supporting evidence is limited at this time, the clinical significance of this alteration remains unclear.

Literature cited by the submitters: PubMed 33066530.